The following is an entry in ClinVar:

ClinVar aggregate classification (germline): Pathogenic (1 of 4 stars; one submission).

Conditions:
Primary ciliary dyskinesia. Also called: Ciliary dyskinesia. Identifiers: Orphanet 244, MedGen C0008780, MONDO:0016575, HP:0012265.

Allele frequency attached by ClinVar (database versions not stated): gnomAD exomes 0.00001.
gnomAD v4.1: 5 of 1,613,738 alleles (0.00031%); highest among the groups gnomAD compares: Non-Finnish European, 0.00042%; no homozygotes.

Submission:

Labcorp Genetics (formerly Invitae), Labcorp
Classification: Pathogenic for Primary ciliary dyskinesia. Last evaluated: 2023-11-06. Review status: criteria provided, single submitter. Criteria: Invitae Variant Classification Sherloc (09022015). Collection method: clinical testing. Allele origin: germline.
Comment: This sequence change creates a premature translational stop signal (p.Trp3492*) in the DNAH11 gene. It is expected to result in an absent or disrupted protein product. Loss-of-function variants in DNAH11 are known to be pathogenic (PMID: 18022865, 20513915, 22184204). This variant is not present in population databases (gnomAD no frequency). This variant has not been reported in the literature in individuals affected with DNAH11-related conditions. For these reasons, this variant has been classified as Pathogenic.

Literature cited by the submitters: PubMed 18022865; PubMed 20513915; PubMed 22184204.

NM_001277115.2(DNAH11):c.10476G>A (p.Trp3492Ter)

Gene: DNAH11 (dynein axonemal heavy chain 11; plus strand). Cytogenetic location: 7p15.3.
Variant type: single nucleotide variant.
Coding change: c.10476G>A on transcript NM_001277115.2 (MANE Select); coding-DNA position 10476, G replaced by A.
Protein change: p.Trp3492Ter; replaces tryptophan 3492 with a stop codon.
Molecular consequence: nonsense.
Genome position (GRCh38, 1-based): chr7:21,816,610, G>A. VCF-style: chr7-21816610-G-A. GRCh37 (hg19) VCF-style: chr7-21856228-G-A.
Other names: c.10497G>A, p.Trp3499Ter (NM_003777.3); short protein forms W3492*, W3499*.
Identifiers: ClinVar variation 2768284 (VCV002768284.3), dbSNP rs2535357099, ClinGen allele CA366948747.